The following is an entry in ClinVar:

NM_006303.4(AIMP2):c.136G>A (p.Glu46Lys)

Gene: AIMP2 (aminoacyl tRNA synthetase complex interacting multifunctional protein 2; plus strand). Cytogenetic location: 7p22.1.
Variant type: single nucleotide variant.
Coding change: c.136G>A on transcript NM_006303.4 (MANE Select); coding-DNA position 136, G replaced by A.
Protein change: p.Glu46Lys; replaces glutamic acid 46 with lysine.
Molecular consequence: missense variant. On other transcripts: 5 prime UTR variant (3), intron variant (1).
Genome position (GRCh38, 1-based): chr7:6,015,146, G>A. VCF-style: chr7-6015146-G-A. GRCh37 (hg19) VCF-style: chr7-6054777-G-A.
Other names: c.16G>A, p.Glu6Lys (NM_001326606.2); c.-99G>A (NM_001326609.2, NM_001326610.2, NM_001326611.3); c.49G>A, p.Glu17Lys (NM_001362785.2); c.4G>A, p.Glu2Lys (NM_001362787.2); c.136-2668G>A (NM_001326607.2); short protein forms E17K, E2K, E46K, E6K.
Identifiers: ClinVar variation 1384135 (VCV001384135.6), dbSNP rs2128877989, ClinGen allele CA366745980.

ClinVar aggregate classification (germline): Uncertain significance (1 of 4 stars; one submission).

gnomAD v4.1: 2 of 1,614,080 alleles (0.00012%); no homozygotes.

Submission:

Labcorp Genetics (formerly Invitae), Labcorp
Classification: Uncertain significance. Last evaluated: 2021-11-13. Review status: criteria provided, single submitter. Criteria: Invitae Variant Classification Sherloc (09022015). Collection method: clinical testing. Allele origin: germline.
Comment: This sequence change replaces glutamic acid, which is acidic and polar, with lysine, which is basic and polar, at codon 46 of the AIMP2 protein (p.Glu46Lys). This variant is not present in population databases (gnomAD no frequency). This variant has not been reported in the literature in individuals affected with AIMP2-related conditions. Algorithms developed to predict the effect of missense changes on protein structure and function (SIFT, PolyPhen-2, Align-GVGD) all suggest that this variant is likely to be tolerated. Algorithms developed to predict the effect of sequence changes on RNA splicing suggest that this variant may disrupt the consensus splice site. In summary, the available evidence is currently insufficient to determine the role of this variant in disease. Therefore, it has been classified as a Variant of Uncertain Significance.